The following is an entry in ClinVar:

NM_000297.4(PKD2):c.1320G>A (p.Arg440=)

Gene: PKD2 (polycystin 2, transient receptor potential cation channel; plus strand). Cytogenetic location: 4q22.1.
Variant type: single nucleotide variant.
Coding change: c.1320G>A on transcript NM_000297.4 (MANE Select); coding-DNA position 1320, G replaced by A.
Protein change: p.Arg440=; no amino-acid change (arginine 440 retained).
Molecular consequence: synonymous variant. On other transcripts: non-coding transcript variant (1).
Genome position (GRCh38, 1-based): chr4:88,046,642, G>A. VCF-style: chr4-88046642-G-A. GRCh37 (hg19) VCF-style: chr4-88967794-G-A.
Identifiers: ClinVar variation 279596 (VCV000279596.7), dbSNP rs886041114, ClinGen allele CA10602711.
Genomic context (GRCh38, chr4:88,046,642, plus strand): 5'-TCCTGGCTGTATTCATGTGTTGTTGTTGTTATTGTTTTAATTGTTCTTATTTACATGCAG[G>A]TTATTGGTTGAATTCCCAGCAACAGGTGGTGTGATTCCATCTTGGCAATTTCAGCCTTTA-3'
Protein context (NP_000288.1, residues 430-450): NANINLFCVV[Arg440=]LLVEFPATGG

ClinVar aggregate classification (germline): Uncertain significance. Review status: criteria provided, multiple submitters, no conflicts (2 of 4 stars). 2 submissions from 2 submitters: Uncertain significance (2). Last evaluated 2025-07-14.

Conditions:
Autosomal dominant polycystic kidney disease. Identifiers: Orphanet 730, MedGen C0085413, MONDO:0004691.
Polycystic kidney disease 2 (PKD2). Also called: POLYCYSTIC KIDNEY DISEASE, ADULT, TYPE II; Polycystic Kidney Disease 2, Autosomal Dominant; POLYCYSTIC KIDNEY DISEASE 2 WITH OR WITHOUT POLYCYSTIC LIVER DISEASE. Identifiers: MedGen C2751306, MONDO:0013131, OMIM 613095.

Allele frequency attached by ClinVar (database versions not stated): gnomAD exomes below 0.00001; gnomAD 0.00001; TOPMed 0.00001.
gnomAD v4.1: 14 of 1,569,710 alleles (0.00089%); highest among the groups gnomAD compares: Non-Finnish European, 0.0012%; no homozygotes.

Submissions (2):

Labcorp Genetics (formerly Invitae), Labcorp
Classification: Uncertain significance for Autosomal dominant polycystic kidney disease. Last evaluated: 2025-07-14. Review status: criteria provided, single submitter. Criteria: Invitae Variant Classification Sherloc (09022015). Collection method: clinical testing. Allele origin: germline.
Comment: This sequence change affects codon 440 of the PKD2 mRNA. It is a 'silent' change, meaning that it does not change the encoded amino acid sequence of the PKD2 protein. It affects a nucleotide within the consensus splice site. This variant is present in population databases (no rsID available, gnomAD 0.0009%). This variant has not been reported in the literature in individuals affected with PKD2-related conditions. ClinVar contains an entry for this variant (Variation ID: 279596). Algorithms developed to predict the effect of sequence changes on RNA splicing suggest that this variant may disrupt the consensus splice site. In summary, the available evidence is currently insufficient to determine the role of this variant in disease. Therefore, it has been classified as a Variant of Uncertain Significance.

MVZ Martinsried, Medicover Genetics
Classification: Uncertain significance for Polycystic kidney disease 2. Last evaluated: 2016-09-27. Review status: criteria provided, single submitter. Criteria: ACMG Guidelines, 2015. Collection method: clinical testing. Allele origin: unknown. Affected: yes.